The following is an entry in ClinVar:

ClinVar aggregate classification (germline): Pathogenic (1 of 4 stars; one submission).

Submission:

Labcorp Genetics (formerly Invitae), Labcorp
Classification: Pathogenic. Last evaluated: 2022-05-14. Review status: criteria provided, single submitter. Criteria: Invitae Variant Classification Sherloc (09022015). Collection method: clinical testing. Allele origin: germline.
Comment: For these reasons, this variant has been classified as Pathogenic. This premature translational stop signal has been observed in individual(s) with erythropoietic protoporphyria (PMID: 30454868). This variant is not present in population databases (gnomAD no frequency). This sequence change creates a premature translational stop signal (p.Ile342Argfs*5) in the FECH gene. It is expected to result in an absent or disrupted protein product. Loss-of-function variants in FECH are known to be pathogenic (PMID: 20105171, 23016163, 23364466).

Literature cited by the submitters: PubMed 30454868; PubMed 20105171; PubMed 23016163; PubMed 23364466.

NM_000140.5(FECH):c.1025_1026del (p.Ile342fs)

Gene: FECH (ferrochelatase; minus strand). Cytogenetic location: 18q21.31.
Variant type: Deletion.
Coding change: c.1025_1026del on transcript NM_000140.5 (MANE Select); coding-DNA positions 1025 to 1026, 2 bases deleted (TT; older notation c.1025_1026delTT).
Protein change: p.Ile342fs; shifts the reading frame from isoleucine 342.
Molecular consequence: frameshift variant.
Genome position (GRCh38, 1-based): chr18:57,554,311-57,554,312, AA deleted on the plus strand (TT on the coding strand, the reverse complement: FECH is on the minus strand). VCF-style (leftmost placement, unchanged base first): chr18-57554310-CAA-C. GRCh37 (hg19) VCF-style: chr18-55221542-CAA-C.
Other names: c.1043_1044del, p.Ile348fs (NM_001012515.4); c.926_927del, p.Ile309fs (NM_001371094.1); c.809_810del, p.Ile270fs (NM_001371095.1); c.1025_1026del, p.Ile342fs (NM_001374778.1); short protein forms I270fs, I309fs, I342fs, I348fs.
Identifiers: ClinVar variation 1918194 (VCV001918194.5), dbSNP rs2511517302, ClinGen allele CA2580095940.
Genomic context (GRCh38, chr18:57,554,310, plus strand): 5'-GTGCATTTACCTCCTTGGCTAAAACTTGAGAGTACTCGATGTCCAGCTCATACAGCGTTT[CAA>C]TATGGTCACTGGTAAATGCTATCGGAACCAAGAGGATATTCTTCCTCCCCCTCTCACAAA-3'